The following is an entry in ClinVar:

ClinVar aggregate classification (germline): Likely benign. Review status: criteria provided, multiple submitters, no conflicts (2 of 4 stars). 6 submissions from 6 submitters: Likely benign (5). 1 of the submissions does not count toward it. Last evaluated 2026-04-01.

Conditions:
OTOGL-related disorder. Also called: OTOGL-related condition.

Allele frequency attached by ClinVar (database versions not stated): gnomAD 0.00018 and 0.00019; TOPMed 0.00020; 1000 Genomes Project 0.00060; 1000 Genomes Project 30x 0.00062; gnomAD exomes 0.00007 and 0.00014; ExAC 0.00008.
gnomAD v4.1: 151 of 1,597,176 alleles (0.0095%); highest among the groups gnomAD compares: Middle Eastern, 0.23%; no homozygotes.

Submissions (6):

CeGaT Center for Human Genetics Tuebingen
Classification: Likely benign. Last evaluated: 2026-04-01. Review status: criteria provided, single submitter. Criteria: CeGaT Center For Human Genetics Tuebingen Variant Classification Criteria Version 2. Collection method: clinical testing. Allele origin: germline. Affected: yes. Observed: 1 variant allele.
Comment: OTOGL: BP4

Labcorp Genetics (formerly Invitae), Labcorp
Classification: Likely benign. Last evaluated: 2025-06-06. Review status: criteria provided, single submitter. Criteria: Invitae Variant Classification Sherloc (09022015). Collection method: clinical testing. Allele origin: germline.

Blueprint Genetics
Classification: Likely benign. Last evaluated: 2024-10-21. Review status: criteria provided, single submitter. Criteria: ACMG Guidelines, 2015. Collection method: clinical testing. Allele origin: germline.

GeneDx
Classification: Likely benign. Last evaluated: 2020-10-29. Review status: criteria provided, single submitter. Criteria: GeneDx Variant Classification Process June 2021. Collection method: clinical testing. Allele origin: germline. Affected: yes.

Laboratory for Molecular Medicine, Mass General Brigham Personalized Medicine
Classification: Likely benign. Last evaluated: 2016-06-28. Review status: criteria provided, single submitter. Criteria: LMM Criteria. Collection method: clinical testing. Allele origin: germline. Observed: 2 variant alleles.
Comment: p.Tyr1122Tyr in exon 29 of OTOGL: This variant is not expected to have clinical significance because it does not alter an amino acid residue and is not located within the splice consensus sequence. It has been identified in 6/11460 Latino c hromosomes by the Exome Aggregation Consortium (ExAC .org; dbSNP rs574974638).

PreventionGenetics, part of Exact Sciences
Classification: Likely benign for OTOGL-related condition. Last evaluated: 2024-09-09. Review status: no assertion criteria provided. Collection method: clinical testing. Allele origin: germline. Not counted in ClinVar's aggregate classification.
Comment: This variant is classified as likely benign based on ACMG/AMP sequence variant interpretation guidelines (Richards et al. 2015 PMID: 25741868, with internal and published modifications).

NM_001378609.3(OTOGL):c.3393T>C (p.Tyr1131=)

Gene: OTOGL (otogelin like; plus strand). Cytogenetic location: 12q21.31.
Variant type: single nucleotide variant.
Coding change: c.3393T>C on transcript NM_001378609.3 (MANE Select); coding-DNA position 3393, T replaced by C.
Protein change: p.Tyr1131=; no amino-acid change (tyrosine 1131 retained).
Molecular consequence: synonymous variant.
Genome position (GRCh38, 1-based): chr12:80,310,670, T>C. VCF-style: chr12-80310670-T-C. GRCh37 (hg19) VCF-style: chr12-80704450-T-C.
Other names: c.3258T>C, p.Tyr1086= (NM_001368062.3); c.3393T>C, p.Tyr1131= (NM_001378610.3, NM_173591.7).
Identifiers: ClinVar variation 505166 (VCV000505166.20), dbSNP rs574974638, ClinGen allele CA6701044.